The following is an entry in ClinVar:

NM_022726.4(ELOVL4):c.351T>A (p.Asn117Lys)

Gene: ELOVL4 (ELOVL fatty acid elongase 4; minus strand). Cytogenetic location: 6q14.1.
Variant type: single nucleotide variant.
Coding change: c.351T>A on transcript NM_022726.4 (MANE Select); coding-DNA position 351, T replaced by A.
Protein change: p.Asn117Lys; replaces asparagine 117 with lysine.
Molecular consequence: missense variant.
Genome position (GRCh38, 1-based): chr6:79,924,970, A>T on the plus strand (T>A on the coding strand, the complement: ELOVL4 is on the minus strand). VCF-style: chr6-79924970-A-T. GRCh37 (hg19) VCF-style: chr6-80634687-A-T.
Other names: short protein forms N117K.
Identifiers: ClinVar variation 358148 (VCV000358148.61), dbSNP rs148018494, ClinGen allele CA3901551.

ClinVar aggregate classification (germline): Conflicting classifications of pathogenicity. Review status: criteria provided, conflicting classifications (1 of 4 stars). 8 submissions from 8 submitters: Uncertain significance (4); Likely benign (4). Last evaluated 2026-06-05.

Conditions:
Ichthyosis, spastic quadriplegia, and impaired intellectual development. Also called: Congenital ichthyosis-intellectual disability-spastic quadriplegia syndrome. Identifiers: Orphanet 352333, MedGen C3280856, MONDO:0013760, OMIM 614457.
Spinocerebellar ataxia type 34 (SCA34). Identifiers: Orphanet 1955, MedGen C1851481, MONDO:0007574, OMIM 133190.
Stargardt disease 3. Also called: MACULAR DYSTROPHY WITH FLECKS, TYPE 3; STARGARDT-LIKE MACULAR DYSTROPHY, AUTOSOMAL DOMINANT. Identifiers: Orphanet 827, MedGen C1838644, MONDO:0010819, OMIM 600110.
ELOVL4-related disorder. Also called: ELOVL4-related disorders; ELOVL4-related condition.
Inborn genetic diseases. Identifiers: MedGen C0950123, MeSH D030342.

Allele frequency attached by ClinVar (database versions not stated): TOPMed 0.00031; gnomAD exomes 0.00036 and 0.00025; ExAC 0.00024; gnomAD 0.00031 and 0.00029; 1000 Genomes Project 0.00040; ESP Exome Variant Server 0.00054; 1000 Genomes Project 30x 0.00047.
gnomAD v4.1: 554 of 1,605,108 alleles (0.035%); highest among the groups gnomAD compares: Non-Finnish European, 0.044%; no homozygotes.

Submissions (8):

PreventionGenetics, part of Exact Sciences
Classification: Uncertain significance for ELOVL4-related condition. Last evaluated: 2026-06-05. Review status: criteria provided, single submitter. Criteria: ACMG Guidelines, 2015. Collection method: clinical testing. Allele origin: germline.
Comment: The ELOVL4 c.351T>A variant is predicted to result in the amino acid substitution p.Asn117Lys. To our knowledge, this variant has not been reported in individuals with ELOVL4-related retinal disease; however, the variant was detected in a control cohort (Bardak et al. 2024. PubMed ID: 27813578). This variant is reported in 0.046% of alleles in individuals of European (Non-Finnish) descent in gnomAD. Although we suspect this variant may be benign, at this time, the clinical significance of this variant is uncertain due to the absence of conclusive functional and genetic evidence.

CeGaT Center for Human Genetics Tuebingen
Classification: Likely benign. Last evaluated: 2026-03-01. Review status: criteria provided, single submitter. Criteria: CeGaT Center For Human Genetics Tuebingen Variant Classification Criteria Version 2. Collection method: clinical testing. Allele origin: germline. Affected: yes. Observed: 3 variant alleles.
Comment: ELOVL4: BP4

Ambry Genetics
Classification: Likely benign for Inborn genetic diseases. Last evaluated: 2026-02-10. Review status: criteria provided, single submitter. Criteria: Ambry Variant Classification Scheme 2023. Collection method: clinical testing. Allele origin: germline.

Labcorp Genetics (formerly Invitae), Labcorp
Classification: Uncertain significance. Last evaluated: 2026-02-01. Review status: criteria provided, single submitter. Criteria: Invitae Variant Classification Sherloc (09022015). Collection method: clinical testing. Allele origin: germline.
Comment: This sequence change replaces asparagine, which is neutral and polar, with lysine, which is basic and polar, at codon 117 of the ELOVL4 protein (p.Asn117Lys). This variant is present in population databases (rs148018494, gnomAD 0.05%). This variant has not been reported in the literature in individuals affected with ELOVL4-related conditions. ClinVar contains an entry for this variant (Variation ID: 358148). Invitae Evidence Modeling of protein sequence and biophysical properties (such as structural, functional, and spatial information, amino acid conservation, physicochemical variation, residue mobility, and thermodynamic stability) indicates that this missense variant is not expected to disrupt ELOVL4 protein function with a negative predictive value of 80%. In summary, the available evidence is currently insufficient to determine the role of this variant in disease. Therefore, it has been classified as a Variant of Uncertain Significance.

Blueprint Genetics
Classification: Likely benign. Last evaluated: 2024-09-13. Review status: criteria provided, single submitter. Criteria: ACMG Guidelines, 2015. Collection method: clinical testing. Allele origin: germline.

Fulgent Genetics
Classification: Uncertain significance for Spinocerebellar ataxia type 34; Stargardt disease 3; Ichthyosis, spastic quadriplegia, and impaired intellectual development. Last evaluated: 2018-10-31. Review status: criteria provided, single submitter. Criteria: ACMG Guidelines, 2015. Collection method: clinical testing. Allele origin: unknown.

Illumina Laboratory Services, Illumina
Classification: Likely benign for Stargardt disease 3. Last evaluated: 2018-01-12. Review status: criteria provided, single submitter. Criteria: ICSL Variant Classification Criteria 13 December 2019. Collection method: clinical testing. Allele origin: germline.
Comment: This variant was observed in the ICSL laboratory as part of a predisposition screen in an ostensibly healthy population. It had not been previously curated by ICSL or reported in the Human Gene Mutation Database (HGMD: prior to June 1st, 2018), and was therefore a candidate for classification through an automated scoring system. Utilizing variant allele frequency, disease prevalence and penetrance estimates, and inheritance mode, an automated score was calculated to assess if this variant is too frequent to cause the disease. Based on the score and internal cut-off values, a variant classified as likely benign is not then subjected to further curation. The score for this variant resulted in a classification of likely benign for this disease.

Eurofins Ntd Llc (ga)
Classification: Uncertain significance. Last evaluated: 2016-11-01. Review status: criteria provided, single submitter. Criteria: EGL Classification Definitions 2015. Collection method: clinical testing. Allele origin: germline. Observed: 1 variant allele, 1 heterozygote.